The following is an entry in ClinVar:

ClinVar aggregate classification (germline): Uncertain significance (1 of 4 stars; one submission).

Conditions:
Inborn genetic diseases. Identifiers: MedGen C0950123, MeSH D030342.

Submission:

Ambry Genetics
Classification: Uncertain significance for Inborn genetic diseases. Last evaluated: 2024-12-01. Review status: criteria provided, single submitter. Criteria: Ambry Variant Classification Scheme 2023. Collection method: clinical testing. Allele origin: germline.
Comment: The p.N1317S variant (also known as c.3950A>G), located in coding exon 14 of the FANCM gene, results from an A to G substitution at nucleotide position 3950. The asparagine at codon 1317 is replaced by serine, an amino acid with highly similar properties. This amino acid position is conserved. In addition, this alteration is predicted to be tolerated by in silico analysis. Based on the available evidence, the clinical significance of this variant remains unclear.

NM_020937.4(FANCM):c.3950A>G (p.Asn1317Ser)

Gene: FANCM (FA complementation group M; plus strand). Cytogenetic location: 14q21.2.
Variant type: single nucleotide variant.
Coding change: c.3950A>G on transcript NM_020937.4 (MANE Select); coding-DNA position 3950, A replaced by G.
Protein change: p.Asn1317Ser; replaces asparagine 1317 with serine.
Molecular consequence: missense variant.
Genome position (GRCh38, 1-based): chr14:45,176,704, A>G. VCF-style: chr14-45176704-A-G. GRCh37 (hg19) VCF-style: chr14-45645907-A-G.
Other names: c.3872A>G, p.Asn1291Ser (NM_001308133.2); short protein forms N1291S, N1317S.
Identifiers: ClinVar variation 3512956 (VCV003512956.1).